The following is an entry in ClinVar:

NM_001164508.2(NEB):c.12865del (p.Glu4289fs)

Gene: NEB (nebulin; minus strand). Cytogenetic location: 2q23.3.
Variant type: Deletion.
Coding change: c.12865del on transcript NM_001164508.2 (MANE Select); coding-DNA position 12865, one base deleted (G; older notation c.12865delG).
Protein change: p.Glu4289fs; shifts the reading frame from glutamic acid 4289.
Molecular consequence: frameshift variant. On other transcripts: intron variant (1).
Genome position (GRCh38, 1-based): chr2:151,604,754, C deleted on the plus strand (G on the coding strand, the reverse complement: NEB is on the minus strand). VCF-style (leftmost placement, unchanged base first): chr2-151604753-TC-T. GRCh37 (hg19) VCF-style: chr2-152461267-TC-T.
Other names: c.12865del, p.Glu4289fs (NM_001164507.2, NM_001271208.2); c.11601+5055del (NM_004543.5); short protein forms E4289fs.
Identifiers: ClinVar variation 1417581 (VCV001417581.8), dbSNP rs2153940243, ClinGen allele CA2573133418.

ClinVar aggregate classification (germline): Pathogenic (1 of 4 stars; one submission).

Conditions:
Nemaline myopathy 2 (NEM2). Also called: Nemaline myopathy 2, autosomal recessive. Identifiers: MedGen C1850569, MONDO:0009725, OMIM 256030.

Submission:

Labcorp Genetics (formerly Invitae), Labcorp
Classification: Pathogenic for Nemaline myopathy 2. Last evaluated: 2021-01-18. Review status: criteria provided, single submitter. Criteria: Invitae Variant Classification Sherloc (09022015). Collection method: clinical testing. Allele origin: germline.
Comment: This sequence change creates a premature translational stop signal (p.Glu4289Asnfs*19) in the NEB gene. It is expected to result in an absent or disrupted protein product. Loss-of-function variants in NEB are known to be pathogenic (PMID: 25205138). The frequency data for this variant in the population databases (ExAC) is considered unreliable due to the presence of homologous sequence, such as pseudogenes or paralogs, in the genome. This variant has not been reported in the literature in individuals with NEB-related conditions. For these reasons, this variant has been classified as Pathogenic. This variant occurs in a region of NEB (Exons 82-105) consisting of three highly homologous 8-exon repeat units (exons 82-89, exons 90-97, exons 98-105). Sequence variants in this region can be detected, but this assay cannot determine which of the three repeat units is affected, and zygosity is often ambiguous. All variants in this region are reported relative to the exon 82-89 repeat.

Literature cited by the submitters: PubMed 25205138.